The following is an entry in ClinVar:

NM_145868.2(ANXA11):c.1471G>A (p.Gly491Arg)

Gene: ANXA11 (annexin A11; minus strand). Cytogenetic location: 10q22.3.
Variant type: single nucleotide variant.
Coding change: c.1471G>A on transcript NM_145868.2 (MANE Select); coding-DNA position 1471, G replaced by A.
Protein change: p.Gly491Arg; replaces glycine 491 with arginine.
Molecular consequence: missense variant.
Genome position (GRCh38, 1-based): chr10:80,155,900, C>T on the plus strand (G>A on the coding strand, the complement: ANXA11 is on the minus strand). VCF-style: chr10-80155900-C-T. GRCh37 (hg19) VCF-style: chr10-81915656-C-T.
Other names: c.1471G>A, p.Gly491Arg (NM_001157.3, NM_001278407.2, NM_001278408.2 and 1 more transcripts); c.1372G>A, p.Gly458Arg (NM_001278409.2); short protein forms G491R, G458R.
Identifiers: ClinVar variation 2152084 (VCV002152084.4), dbSNP rs777207980, ClinGen allele CA5575718.

ClinVar aggregate classification (germline): Uncertain significance (1 of 4 stars; one submission).

Allele frequency attached by ClinVar (database versions not stated): gnomAD exomes below 0.00001; gnomAD 0.00001; TOPMed 0.00001; ExAC 0.00003.
gnomAD v4.1: 7 of 1,614,084 alleles (0.00043%); highest among the groups gnomAD compares: East Asian, 0.013%; no homozygotes.

Submission:

Labcorp Genetics (formerly Invitae), Labcorp
Classification: Uncertain significance. Last evaluated: 2024-10-16. Review status: criteria provided, single submitter. Criteria: Invitae Variant Classification Sherloc (09022015). Collection method: clinical testing. Allele origin: germline.
Comment: This sequence change replaces glycine, which is neutral and non-polar, with arginine, which is basic and polar, at codon 491 of the ANXA11 protein (p.Gly491Arg). This variant is present in population databases (rs777207980, gnomAD 0.02%). This missense change has been observed in individual(s) with amyotrophic lateral sclerosis (PMID: 29845112). ClinVar contains an entry for this variant (Variation ID: 2152084). An algorithm developed to predict the effect of missense changes on protein structure and function (PolyPhen-2) suggests that this variant is likely to be disruptive. In summary, the available evidence is currently insufficient to determine the role of this variant in disease. Therefore, it has been classified as a Variant of Uncertain Significance.

Literature cited by the submitters: PubMed 29845112.